The following is an entry in ClinVar:

NM_020822.3(KCNT1):c.2386T>C (p.Tyr796His)

Gene: KCNT1 (potassium sodium-activated channel subfamily T member 1; plus strand). Cytogenetic location: 9q34.3.
Variant type: single nucleotide variant.
Coding change: c.2386T>C on transcript NM_020822.3 (MANE Select); coding-DNA position 2386, T replaced by C.
Protein change: p.Tyr796His; replaces tyrosine 796 with histidine.
Molecular consequence: missense variant.
Genome position (GRCh38, 1-based): chr9:135,777,374, T>C. VCF-style: chr9-135777374-T-C. GRCh37 (hg19) VCF-style: chr9-138669220-T-C.
Other names: c.2251T>C, p.Tyr751His (NM_001272003.2); short protein forms Y796H, Y751H.
Identifiers: ClinVar variation 39598 (VCV000039598.13), dbSNP rs397515406, ClinGen allele CA343802.

ClinVar aggregate classification (germline): Pathogenic/Likely pathogenic. Review status: criteria provided, multiple submitters, no conflicts (2 of 4 stars). 4 submissions from 4 submitters: Pathogenic (1); Likely pathogenic (1). 2 of the submissions do not count toward it. Last evaluated 2023-04-20.

Conditions:
Autosomal dominant nocturnal frontal lobe epilepsy 5. Also called: KCNT1-Related Epilepsy; Epilepsy, nocturnal frontal lobe, 5; CILIARY DYSKINESIA, PRIMARY, 28, WITHOUT SITUS INVERSUS; CILIARY DYSKINESIA, PRIMARY, 28, WITH SITUS INVERSUS. Identifiers: Orphanet 98784, MedGen C3554306, MONDO:0014002, OMIM 615005.
Developmental and epileptic encephalopathy, 14 (DEE14). Also called: Early infantile epileptic encephalopathy 14. Identifiers: Orphanet 293181, MedGen C3554195, MONDO:0013989, OMIM 614959.

Submissions (4):

Duke University Health System Sequencing Clinic, Duke University Health System
Classification: Likely pathogenic for Autosomal dominant nocturnal frontal lobe epilepsy 5. Last evaluated: 2023-04-20. Review status: criteria provided, single submitter. Criteria: ACMG Guidelines, 2015. Collection method: research. Allele origin: de novo. Affected: yes.

Labcorp Genetics (formerly Invitae), Labcorp
Classification: Pathogenic for Autosomal dominant nocturnal frontal lobe epilepsy 5; Developmental and epileptic encephalopathy, 14. Last evaluated: 2018-07-08. Review status: criteria provided, single submitter. Criteria: Invitae Variant Classification Sherloc (09022015). Collection method: clinical testing. Allele origin: germline.
Comment: Experimental studies have shown that this missense change alters the channels activity (PMID: 24591078, 26269628). For these reasons, this variant has been classified as Pathogenic. This variant has been observed to be de novo in several individuals affected with epileptic encephalopathy (PMID: 26369628, 29186148, 25590979) and reported to segregate in a family affected with autosomal dominant nocturnal frontal lobe epilepsy (ADNFLE) (PMID: 23086396) . ClinVar contains an entry for this variant (Variation ID: 39598). This variant is not present in population databases (ExAC no frequency). This sequence change replaces tyrosine with histidine at codon 796 of the KCNT1 protein (p.Tyr796His). The tyrosine residue is highly conserved and there is a moderate physicochemical difference between tyrosine and histidine.

OMIM
Classification: Pathogenic for EPILEPSY, NOCTURNAL FRONTAL LOBE, 5. Last evaluated: 2012-11-01. Review status: no assertion criteria provided. Collection method: literature only. Allele origin: germline. Not counted in ClinVar's aggregate classification.

GeneReviews
No classification provided. Condition: Autosomal dominant nocturnal frontal lobe epilepsy 5. Review status: no classification provided. Collection method: literature only. Allele origin: germline. Not counted in ClinVar's aggregate classification.

Literature cited by the submitters: PubMed 24591078 (cited by Labcorp Genetics (formerly Invitae), Labcorp); PubMed 26269628 (cited by Labcorp Genetics (formerly Invitae), Labcorp); PubMed 26369628 (cited by Labcorp Genetics (formerly Invitae), Labcorp); PubMed 29186148 (cited by Labcorp Genetics (formerly Invitae), Labcorp); PubMed 25590979 (cited by Labcorp Genetics (formerly Invitae), Labcorp); PubMed 23086396 (cited by 3 submitters); NCBI Bookshelf NBK1169 (cited by GeneReviews).